The following is an entry in ClinVar:

ClinVar aggregate classification (germline): Benign/Likely benign. Review status: criteria provided, multiple submitters, no conflicts (2 of 4 stars). 4 submissions from 4 submitters: Benign (1); Likely benign (3). Last evaluated 2026-06-25.

Conditions:
Hereditary cancer-predisposing syndrome. Also called: Tumor predisposition; Hereditary Cancer Syndrome; Hereditary neoplastic syndrome; Neoplastic Syndromes, Hereditary. Identifiers: Orphanet 140162, MedGen C0027672, MeSH D009386, MONDO:0015356.
Retinoblastoma (RB1). Also called: RETINOBLASTOMA, SOMATIC. Identifiers: Orphanet 790, MedGen C0035335, MeSH D012175, MONDO:0008380, OMIM 180200, HP:0009919. Disease mechanism: loss of function. Inheritance: Both sporadic and heritable forms are tested..

Allele frequency attached by ClinVar (database versions not stated): gnomAD exomes 0.00001; TOPMed below 0.00001; ExAC 0.00001.
gnomAD v4.1: 4 of 1,614,024 alleles (0.00025%); highest among the groups gnomAD compares: Admixed American, 0.0067%; no homozygotes.

Submissions (4):

Myriad Genetics, Inc.
Classification: Benign for Retinoblastoma. Last evaluated: 2026-06-25. Review status: criteria provided, single submitter. Criteria: Myriad Autosomal Dominant, Autosomal Recessive and X-Linked Classification Criteria (2023). Collection method: clinical testing. Allele origin: unknown.
Comment: This variant is considered benign. This variant is a silent/synonymous amino acid change and it is not expected to impact splicing.

Labcorp Genetics (formerly Invitae), Labcorp
Classification: Likely benign for Retinoblastoma. Last evaluated: 2025-07-14. Review status: criteria provided, single submitter. Criteria: Invitae Variant Classification Sherloc (09022015). Collection method: clinical testing. Allele origin: germline.

All of Us Research Program, National Institutes of Health
Classification: Likely benign for Retinoblastoma. Last evaluated: 2024-04-16. Review status: criteria provided, single submitter. Criteria: ACMG Guidelines, 2015. Collection method: clinical testing. Allele origin: germline. Inheritance: Autosomal dominant inheritance. Observed: 1 variant allele, 1 heterozygote.
Comment: This study involves interpretation of variants in research participants for the purpose of population health screening. Participant phenotype was not available at the time of variant classification. Additional details can be found in publication PMID: 35346344, PMCID: PMC8962531

Ambry Genetics
Classification: Likely benign for Hereditary cancer-predisposing syndrome. Last evaluated: 2019-05-24. Review status: criteria provided, single submitter. Criteria: Ambry Variant Classification Scheme 2023. Collection method: clinical testing. Allele origin: germline.

NM_000321.3(RB1):c.2349T>A (p.Pro783=)

Gene: RB1 (RB transcriptional corepressor 1; plus strand). Cytogenetic location: 13q14.2.
Variant type: single nucleotide variant.
Coding change: c.2349T>A on transcript NM_000321.3 (MANE Select); coding-DNA position 2349, T replaced by A.
Protein change: p.Pro783=; no amino-acid change (proline 783 retained).
Molecular consequence: synonymous variant.
Genome position (GRCh38, 1-based): chr13:48,465,228, T>A. VCF-style: chr13-48465228-T-A. GRCh37 (hg19) VCF-style: chr13-49039364-T-A.
Identifiers: ClinVar variation 821134 (VCV000821134.15), dbSNP rs753349760, ClinGen allele CA035309.